The following is an entry in ClinVar:

ClinVar aggregate classification (germline): Uncertain significance. Review status: criteria provided, multiple submitters, no conflicts (2 of 4 stars). 3 submissions from 3 submitters: Uncertain significance (3). Last evaluated 2023-12-28.

Conditions:
Inborn genetic diseases. Identifiers: MedGen C0950123, MeSH D030342.
Kindler syndrome (KNDLRS). Also called: Poikiloderma of Kindler; Congenital bullous poikiloderma; BULLOUS ACROKERATOTIC POIKILODERMA OF KINDLER AND WEARY; POIKILODERMA, CONGENITAL, WITH BULLAE, WEARY TYPE; POIKILODERMA, HEREDITARY ACROKERATOTIC; Hereditary acrokeratotic poikiloderma of Weary. Identifiers: Orphanet 2908, Orphanet 306539, MedGen C0406557, MONDO:0008260, OMIM 173650.

Allele frequency attached by ClinVar (database versions not stated): gnomAD 0.00002 and 0.00003; gnomAD exomes 0.00002 and 0.00005; TOPMed 0.00004; ExAC 0.00006.
gnomAD v4.1: 31 of 1,613,670 alleles (0.0019%); highest among the groups gnomAD compares: East Asian, 0.0089%; no homozygotes.

Submissions (3):

Ambry Genetics
Classification: Uncertain significance for Inborn genetic diseases. Last evaluated: 2023-12-28. Review status: criteria provided, single submitter. Criteria: Ambry Variant Classification Scheme 2023. Collection method: clinical testing. Allele origin: germline.

Labcorp Genetics (formerly Invitae), Labcorp
Classification: Uncertain significance. Last evaluated: 2022-07-22. Review status: criteria provided, single submitter. Criteria: Invitae Variant Classification Sherloc (09022015). Collection method: clinical testing. Allele origin: germline.
Comment: This sequence change replaces glutamic acid, which is acidic and polar, with lysine, which is basic and polar, at codon 550 of the FERMT1 protein (p.Glu550Lys). This variant is present in population databases (rs755090824, gnomAD 0.02%). This variant has not been reported in the literature in individuals affected with FERMT1-related conditions. ClinVar contains an entry for this variant (Variation ID: 895953). Algorithms developed to predict the effect of missense changes on protein structure and function are either unavailable or do not agree on the potential impact of this missense change (SIFT: "Deleterious"; PolyPhen-2: "Possibly Damaging"; Align-GVGD: "Class C15"). In summary, the available evidence is currently insufficient to determine the role of this variant in disease. Therefore, it has been classified as a Variant of Uncertain Significance.

Illumina Laboratory Services, Illumina
Classification: Uncertain significance for Kindler syndrome. Last evaluated: 2018-01-13. Review status: criteria provided, single submitter. Criteria: ICSL Variant Classification Criteria 13 December 2019. Collection method: clinical testing. Allele origin: germline.

NM_017671.5(FERMT1):c.1648G>A (p.Glu550Lys)

Gene: FERMT1 (FERM domain containing kindlin 1; minus strand). Cytogenetic location: 20p12.3.
Variant type: single nucleotide variant.
Coding change: c.1648G>A on transcript NM_017671.5 (MANE Select); coding-DNA position 1648, G replaced by A.
Protein change: p.Glu550Lys; replaces glutamic acid 550 with lysine.
Molecular consequence: missense variant.
Genome position (GRCh38, 1-based): chr20:6,084,110, C>T on the plus strand (G>A on the coding strand, the complement: FERMT1 is on the minus strand). VCF-style: chr20-6084110-C-T. GRCh37 (hg19) VCF-style: chr20-6064757-C-T.
Other names: short protein forms E550K.
Identifiers: ClinVar variation 895953 (VCV000895953.6), dbSNP rs755090824, ClinGen allele CA9758070.